The following is an entry in ClinVar:

ClinVar aggregate classification (germline): Conflicting classifications of pathogenicity. Review status: criteria provided, conflicting classifications (1 of 4 stars). 3 submissions from 3 submitters: Pathogenic (1); Likely pathogenic (1); Uncertain significance (1). Last evaluated 2025-08-07.

Conditions:
Hereditary cancer-predisposing syndrome. Also called: Neoplastic Syndromes, Hereditary; Hereditary Cancer Syndrome; Hereditary neoplastic syndrome; Tumor predisposition. Identifiers: Orphanet 140162, MedGen C0027672, MeSH D009386, MONDO:0015356.

Submissions (3):

Labcorp Genetics (formerly Invitae), Labcorp
Classification: Pathogenic. Last evaluated: 2025-08-07. Review status: criteria provided, single submitter. Criteria: Invitae Variant Classification Sherloc (09022015). Collection method: clinical testing. Allele origin: germline.
Comment: This sequence change creates a premature translational stop signal (p.Gln911Argfs*30) in the POLE gene. It is expected to result in an absent or disrupted protein product. Loss-of-function variants in POLE are known to be pathogenic (PMID: 23230001, 25948378, 30503519). This variant is not present in population databases (gnomAD no frequency). This variant has not been reported in the literature in individuals affected with POLE-related conditions. ClinVar contains an entry for this variant (Variation ID: 540813). For these reasons, this variant has been classified as Pathogenic.

Ambry Genetics
Classification: Uncertain significance for Hereditary cancer-predisposing syndrome. Last evaluated: 2025-03-26. Review status: criteria provided, single submitter. Criteria: Ambry Variant Classification Scheme 2023. Collection method: clinical testing. Allele origin: germline.
Comment: The c.2731delC variant, located in coding exon 24 of the POLE gene, results from a deletion of one nucleotide at nucleotide position 2731, causing a translational frameshift with a predicted alternate stop codon (p.Q911Rfs*30). This alteration is expected to result in loss of function by premature protein truncation or nonsense-mediated mRNA decay. Although biallelic loss of function of POLE has been associated with autosomal recessive POLE deficiency, haploinsufficiency of POLE has not been established as a mechanism of disease for POLE-related polymerase proofreading-associated polyposis (PPAP) and POLE-related CMMRD-like syndrome. Based on the supporting evidence, this variant is expected to be causative of POLE deficiency when present along with a second pathogenic variant on the other allele; however, its clinical significance for PPAP and POLE-related CMMRD-like syndrome is unclear.

Center for Genomic Medicine, Rigshospitalet, Copenhagen University Hospital
Classification: Likely pathogenic. Last evaluated: 2025-03-04. Review status: criteria provided, single submitter. Criteria: ACMG Guidelines, 2015. Collection method: clinical testing. Allele origin: germline.

Literature cited by the submitters: PubMed 23230001 (cited by Labcorp Genetics (formerly Invitae), Labcorp); PubMed 25948378 (cited by Labcorp Genetics (formerly Invitae), Labcorp); PubMed 30503519 (cited by Labcorp Genetics (formerly Invitae), Labcorp); PubMed 23263490 (cited by Center for Genomic Medicine, Rigshospitalet, Copenhagen University Hospital); PubMed 26251183 (cited by Center for Genomic Medicine, Rigshospitalet, Copenhagen University Hospital); PubMed 32792570 (cited by Center for Genomic Medicine, Rigshospitalet, Copenhagen University Hospital).

NM_006231.4(POLE):c.2731del (p.Gln911fs)

Gene: POLE (DNA polymerase epsilon, catalytic subunit; minus strand). Cytogenetic location: 12q24.33.
Variant type: Deletion.
Coding change: c.2731del on transcript NM_006231.4 (MANE Select); coding-DNA position 2731, one base deleted (C; older notation c.2731delC).
Protein change: p.Gln911fs; shifts the reading frame from glutamine 911.
Molecular consequence: frameshift variant.
Genome position (GRCh38, 1-based): chr12:132,661,660, G deleted on the plus strand (C on the coding strand, the reverse complement: POLE is on the minus strand); the first of 2 consecutive G bases (chr12:132,661,660-132,661,661); deleting either gives the same sequence. VCF-style (leftmost placement, unchanged base first): chr12-132661659-TG-T. GRCh37 (hg19) VCF-style: chr12-133238245-TG-T.
Other names: c.2731delC (NM_006231.4, NM_006231.2, NM_006231.3); short protein forms Q911fs.
Identifiers: ClinVar variation 540813 (VCV000540813.11), dbSNP rs1555226051, ClinGen allele CA658797985.